The following continues an entry in ClinVar:

NM_000152.5(GAA):c.1222A>G (p.Met408Val)

Gene: GAA. ClinVar aggregate classification (germline): Likely pathogenic. Likely pathogenic (1).

Submissions 8 to 10 of 10:

Broad Center for Mendelian Genomics, Broad Institute of MIT and Harvard
Classification: Likely pathogenic for Glycogen storage disease, type II. Last evaluated: 2020-01-22. Review status: criteria provided, single submitter. Criteria: ACMG Guidelines, 2015. Collection method: curation. Allele origin: germline. Inheritance: Autosomal recessive inheritance. Not counted in ClinVar's aggregate classification.
Comment: The p.Met408Val variant in GAA has been reported in 5 individuals (including 2 Spanish, 2 from the UK, and 1 Taiwanese) with Glycogen Storage Disease II (PMID: 11738358, 21687968, 17616415, 26497565, 20080426), and has also been reported likely pathogenic by Counsyl in ClinVar (Variation ID: 371235). This variant has been identified in 0.002% (2/111716) of European (non-Finnish) chromosomes by the Genome Aggregation Database (gnomAD; dbSNP rs560575383). Although this variant has been seen in the general population, its frequency is low enough to be consistent with a recessive carrier frequency. In vitro functional studies with COS cells transfected with this variant provide some evidence that the p.Met408Val variant may impact GAA activity (PMID: 19862843). However, these types of assays may not accurately represent biological function. Computational prediction tools and conservation analyses do not provide strong support for or against an impact to the protein. The Methionine (Met) at position 408 is not conserved in evolutionary distant species, raising the possibility that a change at this position may be tolerated. The presence of this variant in the homozygous state and in individuals with Glycogen Storage Disease II increases the likelihood that the p.Met408Val variant is pathogenic (PMID: 26497565). The phenotype of an individual homozygous and 2 individuals heterozygous for this variant is highly specific for Glycogen Storage Disease II with abnormal GAA activity assay results in relevant tissues (PMID: 26497565, 17616415, 11738358). In summary, although additional studies are required to fully establish its clinical significance, this variant is likely pathogenic. ACMG/AMP Criteria applied: PS3, PM2, PP4, PM3_Supporting (Richards 2015).

Women's Health and Genetics/Laboratory Corporation of America, LabCorp
Classification: Pathogenic for Glycogen storage disease, type II. Last evaluated: 2019-11-01. Review status: criteria provided, single submitter. Criteria: LabCorp Variant Classification Summary - May 2015. Collection method: clinical testing. Allele origin: germline. Not counted in ClinVar's aggregate classification.
Comment: Variant summary: GAA c.1222A>G (p.Met408Val) results in a conservative amino acid change in the encoded protein sequence. Three of five in-silico tools predict a damaging effect of the variant on protein function. The variant allele was found at a frequency of 8.1e-06 in 248202 control chromosomes (gnomAD). c.1222A>G has been reported in the literature in homozygous or compound heterozygous individuals affected with Glycogen Storage Disease, Type 2 (Pompe Disease) (Fernandez-Hojas_2002, Gort_2007, Labrousse_2010, Manwaring_2012, Broomfield_2016). These data indicate that the variant is likely to be associated with disease. The variant protein was reported to have less than 2% GAA activity in an in vitro expression system (Flanagan_2009). One clinical diagnostic laboratory has submitted clinical-significance assessments for this variant to ClinVar after 2014 without evidence for independent evaluation, and classified the variant as likely pathogenic. Based on the evidence outlined above, the variant was classified as pathogenic.

Counsyl
Classification: Likely pathogenic for Glycogen storage disease, type II. Last evaluated: 2016-08-03. Review status: no assertion criteria provided. Collection method: clinical testing. Allele origin: unknown. Not counted in ClinVar's aggregate classification.

Literature cited by the submitters: PubMed 39835171 (cited by Genomenon, Inc); PubMed 39010129 (cited by Genomenon, Inc); PubMed 36137614 (cited by Genomenon, Inc); PubMed 34995642 (cited by 3 submitters); PubMed 26497565 (cited by 7 submitters); PubMed 17616415 (cited by 3 submitters); PubMed 20157781 (cited by Genomenon, Inc and Natera, Inc.); PubMed 21687968 (cited by 6 submitters); PubMed 19862843 (cited by 8 submitters); PubMed 11738358 (cited by 6 submitters); PubMed 20080426 (cited by 3 submitters); PubMed 37235686 (cited by Myriad Genetics, Inc.); PubMed 38186848 (cited by Myriad Genetics, Inc.); PubMed 17210890 (cited by Natera, Inc.).